The following is an entry in ClinVar:

NM_002303.6(LEPR):c.522G>A (p.Leu174=)

Gene: LEPR (leptin receptor; plus strand). Cytogenetic location: 1p31.3.
Variant type: single nucleotide variant.
Coding change: c.522G>A on transcript NM_002303.6 (MANE Select); coding-DNA position 522, G replaced by A.
Protein change: p.Leu174=; no amino-acid change (leucine 174 retained).
Molecular consequence: synonymous variant.
Genome position (GRCh38, 1-based): chr1:65,592,684, G>A. VCF-style: chr1-65592684-G-A. GRCh37 (hg19) VCF-style: chr1-66058367-G-A.
Other names: c.522G>A, p.Leu174= (NM_001003679.3, NM_001003680.3, NM_001198687.2 and 2 more transcripts).
Identifiers: ClinVar variation 3358491 (VCV003358491.1).

ClinVar aggregate classification (germline): Likely benign (0 of 4 stars; one submission).

Conditions:
LEPR-related disorder. Also called: LEPR-related condition; LEPR-related disorders.

gnomAD v4.1: 12 of 1,612,980 alleles (0.00074%); highest among the groups gnomAD compares: Middle Eastern, 0.033%; no homozygotes.

Submission:

PreventionGenetics, part of Exact Sciences
Classification: Likely benign for LEPR-related condition. Last evaluated: 2024-05-15. Review status: no assertion criteria provided. Collection method: clinical testing. Allele origin: germline.
Comment: This variant is classified as likely benign based on ACMG/AMP sequence variant interpretation guidelines (Richards et al. 2015 PMID: 25741868, with internal and published modifications).